The following is an entry in ClinVar:

ClinVar aggregate classification (germline): Uncertain significance. Review status: criteria provided, multiple submitters, no conflicts (2 of 4 stars). 2 submissions from 2 submitters: Uncertain significance (2). Last evaluated 2025-04-21.

Conditions:
Inborn genetic diseases. Identifiers: MedGen C0950123, MeSH D030342.

gnomAD v4.1: 13 of 1,613,174 alleles (0.00081%); highest among the groups gnomAD compares: East Asian, 0.0022%; no homozygotes.

Submissions (2):

Labcorp Genetics (formerly Invitae), Labcorp
Classification: Uncertain significance. Last evaluated: 2025-04-21. Review status: criteria provided, single submitter. Criteria: Invitae Variant Classification Sherloc (09022015). Collection method: clinical testing. Allele origin: germline.
Comment: This sequence change replaces arginine, which is basic and polar, with cysteine, which is neutral and slightly polar, at codon 66 of the ADAMTS10 protein (p.Arg66Cys). This variant is present in population databases (rs782504616, gnomAD 0.003%). This variant has not been reported in the literature in individuals affected with ADAMTS10-related conditions. ClinVar contains an entry for this variant (Variation ID: 3266486). An algorithm developed to predict the effect of missense changes on protein structure and function (PolyPhen-2) suggests that this variant is likely to be disruptive. In summary, the available evidence is currently insufficient to determine the role of this variant in disease. Therefore, it has been classified as a Variant of Uncertain Significance.

Ambry Genetics
Classification: Uncertain significance for Inborn genetic diseases. Last evaluated: 2024-04-08. Review status: criteria provided, single submitter. Criteria: Ambry Variant Classification Scheme 2023. Collection method: clinical testing. Allele origin: germline.

NM_030957.4(ADAMTS10):c.196C>T (p.Arg66Cys)

Gene: ADAMTS10 (ADAM metallopeptidase with thrombospondin type 1 motif 10; minus strand). Cytogenetic location: 19p13.2.
Variant type: single nucleotide variant.
Coding change: c.196C>T on transcript NM_030957.4 (MANE Select); coding-DNA position 196, C replaced by T.
Protein change: p.Arg66Cys; replaces arginine 66 with cysteine.
Molecular consequence: missense variant.
Genome position (GRCh38, 1-based): chr19:8,605,251, G>A on the plus strand (C>T on the coding strand, the complement: ADAMTS10 is on the minus strand). VCF-style: chr19-8605251-G-A. GRCh37 (hg19) VCF-style: chr19-8670136-G-A.
Other names: short protein forms R66C.
Identifiers: ClinVar variation 3266486 (VCV003266486.2).